The following is an entry in ClinVar:

NM_002180.3(IGHMBP2):c.2145C>T (p.Gly715=)

Gene: IGHMBP2 (immunoglobulin mu DNA binding protein 2; plus strand). Cytogenetic location: 11q13.3.
Variant type: single nucleotide variant.
Coding change: c.2145C>T on transcript NM_002180.3 (MANE Select); coding-DNA position 2145, C replaced by T.
Protein change: p.Gly715=; no amino-acid change (glycine 715 retained).
Molecular consequence: synonymous variant.
Genome position (GRCh38, 1-based): chr11:68,936,625, C>T. VCF-style: chr11-68936625-C-T. GRCh37 (hg19) VCF-style: chr11-68704093-C-T.
Identifiers: ClinVar variation 385465 (VCV000385465.3), dbSNP rs1032533532, ClinGen allele CA16606014.
Genomic context (GRCh38, chr11:68,936,625, plus strand): 5'-GAAGCCGGCTGGGAAGTCTCTGGCCTCTGAAGCTCCATCTCAGCCCAGCCTCAACGGAGG[C>T]AGCCCAGAGGGAGTGGAGAGCCAAGATGGCGTGGACCACTTCCGGGCCATGATAGTGGAG-3'
Protein context (NP_002171.2, residues 705-725): EAPSQPSLNG[Gly715=]SPEGVESQDG

ClinVar aggregate classification (germline): Likely benign. Review status: criteria provided, multiple submitters, no conflicts (2 of 4 stars). 2 submissions from 2 submitters: Likely benign (2). Last evaluated 2019-07-11.

Conditions:
Inborn genetic diseases. Identifiers: MedGen C0950123, MeSH D030342.

Allele frequency attached by ClinVar (database versions not stated): gnomAD exomes below 0.00001.
gnomAD v4.1: 1 of 1,613,746 alleles (0.000062%); highest among the groups gnomAD compares: Non-Finnish European, 0.000085%; no homozygotes.

Submissions (2):

Ambry Genetics
Classification: Likely benign for Inborn genetic diseases. Last evaluated: 2019-07-11. Review status: criteria provided, single submitter. Criteria: Ambry Variant Classification Scheme 2023. Collection method: clinical testing. Allele origin: germline.

GeneDx
Classification: Likely benign. Last evaluated: 2016-04-20. Review status: criteria provided, single submitter. Criteria: GeneDx Variant Classification (06012015). Collection method: clinical testing. Allele origin: germline. Affected: yes.
Comment: This variant is considered likely benign or benign based on one or more of the following criteria: it is a conservative change, it occurs at a poorly conserved position in the protein, it is predicted to be benign by multiple in silico algorithms, and/or has population frequency not consistent with disease.